The following is an entry in ClinVar:

ClinVar aggregate classification (germline): Uncertain significance. Review status: criteria provided, multiple submitters, no conflicts (2 of 4 stars). 2 submissions from 2 submitters: Uncertain significance (2). Last evaluated 2026-06-18.

Conditions:
Ectodermal dysplasia 10A, hypohidrotic/hair/nail type, autosomal dominant (ECTD10A). Also called: Ectodermal Dysplasia 3, Anhidrotic. Identifiers: Orphanet 1810, Orphanet 238468, MedGen C3888065, MONDO:0007509, OMIM 129490.
Autosomal recessive hypohidrotic ectodermal dysplasia syndrome. Also called: Autosomal recessive hypohidrotic ectodermal dysplasia. Identifiers: Orphanet 248, MedGen C0406702, MONDO:0016619.

Allele frequency attached by ClinVar (database versions not stated): TOPMed 0.00002; gnomAD exomes below 0.00001.
gnomAD v4.1: 4 of 1,613,626 alleles (0.00025%); highest among the groups gnomAD compares: South Asian, 0.0011%; no homozygotes.

Submissions (2):

Laboratorio de Bioquimica y Biologia Oral, Instituto de Investigacion en Ciencias Odontologicas (ICOD), Facultad de Odontologia, Universidad de Chile
Classification: Uncertain significance for Ectodermal dysplasia 10A, hypohidrotic/hair/nail type, autosomal dominant. Last evaluated: 2026-06-18. Review status: criteria provided, single submitter. Criteria: ACMG Guidelines, 2015. Collection method: research. Allele origin: germline. Inheritance: Autosomal dominant inheritance. Affected: yes. Observed: 1 variant allele.
Comment: Clinical examination raised suspicion of ectodermal dysplasia; however, a definitive syndromic diagnosis had not been established at the time of variant interpretation. The variant is extremely rare in population databases (gnomAD v4.1.1: 4 alleles among 1,613,626 alleles; no homozygotes). Multiple computational prediction tools predict a deleterious effect of this missense variant on protein function, including REVEL (0.635), CADD PHRED (26.1), PolyPhen-2, SIFT, and PROVEAN, whereas SpliceAI and Pangolin do not predict a significant impact on splicing. No functional evidence supporting either the pathogenicity or the benign nature of this variant was available at the time of variant interpretation, and the available clinical, population, and computational evidence was insufficient to support either a pathogenic or a benign classification. Therefore, this variant was classified as a Variant of Uncertain Significance (VUS).

Labcorp Genetics (formerly Invitae), Labcorp
Classification: Uncertain significance for Ectodermal dysplasia 10A, hypohidrotic/hair/nail type, autosomal dominant; Autosomal recessive hypohidrotic ectodermal dysplasia syndrome. Last evaluated: 2023-12-15. Review status: criteria provided, single submitter. Criteria: Invitae Variant Classification Sherloc (09022015). Collection method: clinical testing. Allele origin: germline.
Comment: This sequence change replaces serine, which is neutral and polar, with leucine, which is neutral and non-polar, at codon 304 of the EDAR protein (p.Ser304Leu). This variant is not present in population databases (gnomAD no frequency). This variant has not been reported in the literature in individuals affected with EDAR-related conditions. Advanced modeling of protein sequence and biophysical properties (such as structural, functional, and spatial information, amino acid conservation, physicochemical variation, residue mobility, and thermodynamic stability) performed at Invitae indicates that this missense variant is not expected to disrupt EDAR protein function with a negative predictive value of 80%. In summary, the available evidence is currently insufficient to determine the role of this variant in disease. Therefore, it has been classified as a Variant of Uncertain Significance.

NM_022336.4(EDAR):c.911C>T (p.Ser304Leu)

Genes: EDAR (ectodysplasin A receptor; minus strand), RANBP2 (RAN binding protein 2; plus strand). Cytogenetic location: 2q13.
Variant type: single nucleotide variant.
Coding change: c.911C>T on transcript NM_022336.4 (MANE Select); coding-DNA position 911, C replaced by T.
Protein change: p.Ser304Leu; replaces serine 304 with leucine.
Molecular consequence: missense variant.
Genome position (GRCh38, 1-based): chr2:108,907,912, G>A on the plus strand (C>T on the coding strand, the complement: EDAR is on the minus strand). VCF-style: chr2-108907912-G-A. GRCh37 (hg19) VCF-style: chr2-109524368-G-A.
Other names: short protein forms S304L.
Identifiers: ClinVar variation 2928587 (VCV002928587.4), dbSNP rs1482311193, ClinGen allele CA348050942.